The following is an entry in ClinVar:

ClinVar aggregate classification (germline): Likely benign. Review status: criteria provided, multiple submitters, no conflicts (2 of 4 stars). 2 submissions from 2 submitters: Likely benign (2). Last evaluated 2018-06-14.

Allele frequency attached by ClinVar (database versions not stated): gnomAD 0.01172 and 0.01257; 1000 Genomes Project 0.01118; gnomAD exomes 0.00103; 1000 Genomes Project 30x 0.01202; TOPMed 0.01302.
gnomAD v4.1: 3,208 of 1,518,660 alleles (0.21%); highest among the groups gnomAD compares: African/African-American, 4%; 61 homozygotes.

Submissions (7):

GeneDx
Classification: Likely benign. Last evaluated: 2018-06-14. Review status: criteria provided, single submitter. Criteria: GeneDx Variant Classification (06012015). Collection method: clinical testing. Allele origin: germline. Affected: yes.
Comment: This variant is considered likely benign or benign based on one or more of the following criteria: it is a conservative change, it occurs at a poorly conserved position in the protein, it is predicted to be benign by multiple in silico algorithms, and/or has population frequency not consistent with disease.

Breakthrough Genomics
Classification: Likely benign. Review status: criteria provided, single submitter. Criteria: ACMG Guidelines, 2015. Collection method: not provided. Allele origin: germline. Inheritance: Autosomal recessive inheritance. Affected: yes.

Dr. Peter K. Rogan Lab, Western University
No classification provided (evidence only). Condition: Uterine corpus endometrial carcinoma. Review status: no classification provided. Collection method: in vitro. Allele origin: not applicable. Functional consequence: retained intron. Not counted in ClinVar's aggregate classification.

Dr. Peter K. Rogan Lab, Western University
No classification provided (evidence only). Condition: Uterine corpus endometrial carcinoma. Review status: no classification provided. Collection method: in vitro. Allele origin: not applicable. Functional consequence: retained intron. Not counted in ClinVar's aggregate classification.

Dr. Peter K. Rogan Lab, Western University
No classification provided (evidence only). Condition: Uterine corpus endometrial carcinoma. Review status: no classification provided. Collection method: in vitro. Allele origin: not applicable. Functional consequence: retained intron. Not counted in ClinVar's aggregate classification.

Dr. Peter K. Rogan Lab, Western University
No classification provided (evidence only). Condition: Sarcoma. Review status: no classification provided. Collection method: in vitro. Allele origin: not applicable. Functional consequence: retained intron. Not counted in ClinVar's aggregate classification.

Dr. Peter K. Rogan Lab, Western University
No classification provided (evidence only). Condition: Ovarian serous cystadenocarcinoma. Review status: no classification provided. Collection method: in vitro. Allele origin: not applicable. Functional consequence: retained intron. Not counted in ClinVar's aggregate classification.

NM_000363.5(TNNI3):c.108+59A>G

Gene: TNNI3 (troponin I3, cardiac type; minus strand). Cytogenetic location: 19q13.42.
Variant type: single nucleotide variant.
Coding change: c.108+59A>G on transcript NM_000363.5 (MANE Select); 59 bases into the intron after coding-DNA position 108, A replaced by G.
Molecular consequence: intron variant.
Genome position (GRCh38, 1-based): chr19:55,156,991, T>C on the plus strand (A>G on the coding strand, the complement: TNNI3 is on the minus strand). VCF-style: chr19-55156991-T-C. GRCh37 (hg19) VCF-style: chr19-55668359-T-C.
Other names: NC_000019.9:g.55668359T>C.
Identifiers: ClinVar variation 671479 (VCV000671479.3), dbSNP rs143098258, ClinGen allele CA310150323.
Genomic context (GRCh38, chr19:55,156,991, plus strand): 5'-GCCCCTGAAGCCCCTCCGCGTAGTCCCCGCCCCCTTCGCAGCCCTGGCTCCTCCCCCCAC[T>C]CCCAGGGTCTTGGATCCCTCCGGCGCCTGTACTCTGCCCCCAGGAAGCCCCGTCCCACCT-3'